The following is an entry in ClinVar:

NM_006514.4(SCN10A):c.5290C>T (p.Leu1764Phe)

Gene: SCN10A (sodium voltage-gated channel alpha subunit 10; minus strand). Cytogenetic location: 3p22.2.
Variant type: single nucleotide variant.
Coding change: c.5290C>T on transcript NM_006514.4 (MANE Select); coding-DNA position 5290, C replaced by T.
Protein change: p.Leu1764Phe; replaces leucine 1764 with phenylalanine.
Molecular consequence: missense variant.
Genome position (GRCh38, 1-based): chr3:38,697,930, G>A on the plus strand (C>T on the coding strand, the complement: SCN10A is on the minus strand). VCF-style: chr3-38697930-G-A. GRCh37 (hg19) VCF-style: chr3-38739421-G-A.
Other names: c.5287C>T, p.Leu1763Phe (NM_001293306.2); c.4996C>T, p.Leu1666Phe (NM_001293307.2); short protein forms L1666F, L1764F, L1763F.
Identifiers: ClinVar variation 1746632 (VCV001746632.2), dbSNP rs765298863, ClinGen allele CA2319704.
Genomic context (GRCh38, chr3:38,697,930, plus strand): 5'-TATTTCGATTGGGTTTTGGGATTCTCAGGGGACCAGAGAGAGTGTCTGCAAAGTCCGAGA[G>A]AGCAGAAAAGGTAATAAACTGAGTGGCCTCTGGGTCAAACTTCTCCCAGGTCTCATAGAA-3'
Protein context (NP_006505.4, residues 1754-1774): EATQFITFSA[Leu1764Phe]SDFADTLSGP

ClinVar aggregate classification (germline): Uncertain significance (1 of 4 stars; one submission).

Conditions:
Cardiovascular phenotype. Identifiers: MedGen CN230736.

Allele frequency attached by ClinVar (database versions not stated): ExAC 0.00001.

Submission:

Ambry Genetics
Classification: Uncertain significance for Cardiovascular phenotype. Last evaluated: 2020-12-11. Review status: criteria provided, single submitter. Criteria: Ambry Variant Classification Scheme 2023. Collection method: clinical testing. Allele origin: germline.
Comment: The p.L1764F variant (also known as c.5290C>T), located in coding exon 27 of the SCN10A gene, results from a C to T substitution at nucleotide position 5290. The leucine at codon 1764 is replaced by phenylalanine, an amino acid with highly similar properties. This amino acid position is highly conserved in available vertebrate species. In addition, the in silico prediction for this alteration is inconclusive. Since supporting evidence is limited at this time, the clinical significance of this alteration remains unclear.